The following is an entry in ClinVar:

NM_021098.3(CACNA1H):c.3646G>A (p.Asp1216Asn)

Gene: CACNA1H (calcium voltage-gated channel subunit alpha1 H; plus strand). Cytogenetic location: 16p13.3.
Variant type: single nucleotide variant.
Coding change: c.3646G>A on transcript NM_021098.3 (MANE Select); coding-DNA position 3646, G replaced by A.
Protein change: p.Asp1216Asn; replaces aspartic acid 1216 with asparagine.
Molecular consequence: missense variant.
Genome position (GRCh38, 1-based): chr16:1,209,314, G>A. VCF-style: chr16-1209314-G-A. GRCh37 (hg19) VCF-style: chr16-1259314-G-A.
Other names: c.3646G>A, p.Asp1216Asn (NM_001005407.2); short protein forms D1216N.
Identifiers: ClinVar variation 387088 (VCV000387088.14), dbSNP rs754581272, ClinGen allele CA7800831.
Genomic context (GRCh38, chr16:1,209,314, plus strand): 5'-GCCGAGTCCCTGGACCCACGGCCCCTGCGGCCGGCCGCCCTCCCGCCTACCAAGTGCCGC[G>A]ATCGCGACGGGCAGGTGGTGGCCCTGCCCAGCGACTTCTTCCTGCGCATCGACAGCCACC-3'
Protein context (NP_066921.2, residues 1206-1226): PAALPPTKCR[Asp1216Asn]RDGQVVALPS

ClinVar aggregate classification (germline): Conflicting classifications of pathogenicity. Review status: criteria provided, conflicting classifications (1 of 4 stars). 4 submissions from 4 submitters: Uncertain significance (3); Benign (1). Last evaluated 2024-08-14.

Conditions:
Idiopathic generalized epilepsy. Also called: Generalised epilepsy; EIG. Identifiers: MedGen C0270850, MONDO:0005579, OMIM 600669.
Hyperaldosteronism, familial, type IV (HALD4). Also called: FH IV; ALDOSTERONISM, PRIMARY, AND HYPERTENSION. Identifiers: Orphanet 642671, MedGen C4310756, MONDO:0014875, OMIM 617027.
Inborn genetic diseases. Identifiers: MedGen C0950123, MeSH D030342.
Epilepsy, childhood absence, susceptibility to, 6. Identifiers: Orphanet 64280, MedGen C2749872, MONDO:0012763, OMIM 611942.

Allele frequency attached by ClinVar (database versions not stated): gnomAD 0.00001 and 0.00002; TOPMed 0.00001; ExAC 0.00003; gnomAD exomes 0.00003.

Submissions (4):

Labcorp Genetics (formerly Invitae), Labcorp
Classification: Benign for Idiopathic generalized epilepsy; Hyperaldosteronism, familial, type IV. Last evaluated: 2024-08-14. Review status: criteria provided, single submitter. Criteria: Invitae Variant Classification Sherloc (09022015). Collection method: clinical testing. Allele origin: germline.

Ambry Genetics
Classification: Uncertain significance for Inborn genetic diseases. Last evaluated: 2023-05-04. Review status: criteria provided, single submitter. Criteria: Ambry Variant Classification Scheme 2023. Collection method: clinical testing. Allele origin: germline.

Fulgent Genetics
Classification: Uncertain significance for Epilepsy, childhood absence, susceptibility to, 6; Hyperaldosteronism, familial, type IV. Last evaluated: 2022-02-09. Review status: criteria provided, single submitter. Criteria: ACMG Guidelines, 2015. Collection method: clinical testing. Allele origin: unknown.

GeneDx
Classification: Uncertain significance. Last evaluated: 2017-07-19. Review status: criteria provided, single submitter. Criteria: GeneDx Variant Classification (06012015). Collection method: clinical testing. Allele origin: germline. Affected: yes.
Comment: The D1216N variant in the CACNA1H gene has not been reported previously as a pathogenic variant,nor as a benign variant, to our knowledge. This variant was not observed in approximately 6500individuals of European and African American ancestry in the NHLBI Exome Sequencing Project,indicating it is not a common benign variant in these populations. The D1216N variant is asemi-conservative amino acid substitution, which may impact secondary protein structure as theseresidues differ in some properties. This substitution occurs at a position that is not conserved. In silicoanalysis is inconsistent in its predictions as to whether or not the variant is damaging to the proteinstructure/function. We interpret D1216N as a variant of uncertain significance.